The following is an entry in ClinVar:

NM_000238.4(KCNH2):c.2T>C (p.Met1Thr)

Gene: KCNH2 (potassium voltage-gated channel subfamily H member 2; minus strand). Cytogenetic location: 7q36.1.
Variant type: single nucleotide variant.
Coding change: c.2T>C on transcript NM_000238.4 (MANE Select); coding-DNA position 2, T replaced by C.
Protein change: p.Met1Thr; changes the start codon (methionine 1).
Molecular consequence: missense variant, initiator codon variant. On other transcripts: non-coding transcript variant (1).
Genome position (GRCh38, 1-based): chr7:150,977,912, A>G on the plus strand (T>C on the coding strand, the complement: KCNH2 is on the minus strand). VCF-style: chr7-150977912-A-G. GRCh37 (hg19) VCF-style: chr7-150675000-A-G.
Other names: c.2T>C, p.Met1Thr (NM_172056.3); short protein forms M1T.
Identifiers: ClinVar variation 4813695 (VCV004813695.1).

ClinVar aggregate classification (germline): Likely pathogenic (1 of 4 stars; one submission).

Conditions:
Long QT syndrome 2 (LQT2). Identifiers: Orphanet 101016, Orphanet 768, MedGen C3150943, MONDO:0013367, OMIM 613688.

Submission:

Variantyx, Inc.
Classification: Likely pathogenic for Long QT syndrome 2. Last evaluated: 2025-09-08. Review status: criteria provided, single submitter. Criteria: Variantyx Assertion Criteria 2022. Collection method: clinical testing. Allele origin: germline. Inheritance: Autosomal recessive inheritance.
Comment: This is a start-loss variant in the KCNH2 gene (OMIM: 152427). Pathogenic variants in this gene have been associated with autosomal dominant KCNH2-related disorders. This variant results in loss of the initiation codon and is expected to result in loss of function, which is a known disease mechanism for KCNH2 in this disorder (PMID: 2383558, 24530480, 18774102, 20851114, 26669661) (PVS1). This variant has a 0.0012% maximum allele frequency in non-founder control populations (PM2) and has not been reported in individuals with KCNH2-related disorders in the databases available for review. Based on the current evidence, this variant is classified as likely pathogenic for autosomal dominant KCNH2-related disorders.

Literature cited by the submitters: PubMed 2383558; PubMed 24530480; PubMed 18774102; PubMed 20851114; PubMed 26669661.